The following is an entry in ClinVar:

ClinVar aggregate classification (germline): Uncertain significance (1 of 4 stars; one submission).

Conditions:
Familial focal epilepsy with variable foci (FPEVF). Identifiers: Orphanet 98820, MedGen C1858477, MONDO:0020310.

Allele frequency attached by ClinVar (database versions not stated): ExAC 0.00002; gnomAD 0.00002 and 0.00003; gnomAD exomes 0.00002; 1000 Genomes Project 30x 0.00016; 1000 Genomes Project 0.00020; TOPMed 0.00001.
gnomAD v4.1: 21 of 1,614,188 alleles (0.0013%); highest among the groups gnomAD compares: African/African-American, 0.0067%; no homozygotes.

Submission:

Labcorp Genetics (formerly Invitae), Labcorp
Classification: Uncertain significance for Familial focal epilepsy with variable foci. Last evaluated: 2025-08-21. Review status: criteria provided, single submitter. Criteria: Invitae Variant Classification Sherloc (09022015). Collection method: clinical testing. Allele origin: germline.
Comment: This sequence change replaces threonine, which is neutral and polar, with methionine, which is neutral and non-polar, at codon 592 of the DEPDC5 protein (p.Thr592Met). This variant is present in population databases (rs187222350, gnomAD 0.006%). This variant has not been reported in the literature in individuals affected with DEPDC5-related conditions. ClinVar contains an entry for this variant (Variation ID: 848896). An algorithm developed to predict the effect of missense changes on protein structure and function outputs the following: PolyPhen-2: "Not Available". The methionine amino acid residue is found in multiple mammalian species, which suggests that this missense change does not adversely affect protein function. In summary, the available evidence is currently insufficient to determine the role of this variant in disease. Therefore, it has been classified as a Variant of Uncertain Significance.

NM_001242896.3(DEPDC5):c.1775C>T (p.Thr592Met)

Gene: DEPDC5 (DEP domain containing 5, GATOR1 subcomplex subunit; plus strand). Cytogenetic location: 22q12.3.
Variant type: single nucleotide variant.
Coding change: c.1775C>T on transcript NM_001242896.3 (MANE Select); coding-DNA position 1775, C replaced by T.
Protein change: p.Thr592Met; replaces threonine 592 with methionine.
Molecular consequence: missense variant. On other transcripts: non-coding transcript variant (5).
Genome position (GRCh38, 1-based): chr22:31,819,130, C>T. VCF-style: chr22-31819130-C-T. GRCh37 (hg19) VCF-style: chr22-32215116-C-T.
Other names: c.1775C>T, p.Thr592Met (NM_001136029.4, NM_001242897.2, NM_001363852.2 and 6 more transcripts); c.1691C>T, p.Thr564Met (NM_001369901.1, NM_001369902.1); short protein forms T592M, T564M.
Identifiers: ClinVar variation 848896 (VCV000848896.7), dbSNP rs187222350, ClinGen allele CA10196460.
Genomic context (GRCh38, chr22:31,819,130, plus strand): 5'-CAGGGAGGTTTCACGTTGGCAGTGCAGAATCCATGCTGCATGTTCGACCTGGTGGATACA[C>T]GCCCCAGAGAGCACTGATTAACCCCTTCGCTCCCTCTCGGATGCCCATGAAGCTTACGTC-3'
Protein context (NP_001229825.1, residues 582-602): SMLHVRPGGY[Thr592Met]PQRALINPFA